The following is an entry in ClinVar:

ClinVar aggregate classification (somatic clinical impact): Tier I - Strong. Review status: criteria provided, single submitter (1 of 4 stars). 3 submissions from 1 submitter. 1 of the submissions does not count toward it. Last evaluated 2024-11-14.

Conditions:
Diffuse midline glioma, H3 K27M-mutant. Identifiers: MedGen C4289688, MONDO:0957196.
Neuroblastoma (NB). Identifiers: Orphanet 635, MedGen C0027819, MeSH D009447, MONDO:0005072, HP:0003006.
Ependymoma. Also called: Ependymoma, familial; Clear cell ependymoma (histologic variant); Papillary ependymoma (histologic variant); Cellular ependymoma (histologic variant); Tanycytic ependymoma (histologic variant). Identifiers: Orphanet 251636, MedGen C0014474, MeSH D004806, MONDO:0016698, HP:0002888.

Submissions (3):

Institute for Genomic Medicine (IGM) Clinical Laboratory, Nationwide Children's Hospital
Classification: Tier I - Strong for Diffuse midline glioma, H3 K27M-mutant. Assertion type: diagnostic. Clinical significance: supports diagnosis. Last evaluated: 2024-11-14. Review status: criteria provided, single submitter. Criteria: AMP/ASCO/CAP Guidelines, 2017. Collection method: clinical testing. Allele origin: somatic. Affected: yes.
Comment: Variant has Tier I (strong) clinical significance as a diagnostic inclusion criterion in diffuse midline glioma, H3 K27M-mutant, based on the following evidence: 1) Documented in one or more cancer databases (e.g., St. Jude Pecan, COSMIC, CIViC, OncoKB). 2) Appears in one or more well-established professional guidelines (e.g., World Health Organization [WHO]; National Comprehensive Cancer Network [NCCN]) as providing diagnostic, prognostic, or therapeutic information. 3) Information in the literature supports potential biologic effect of variant (PMIDs: 23539183, 24183680). 4) Diagnostic for a specific tumor type/classification according to professional guidelines (Evidence Level A; PMIDs: 28966033, 35740334).

Institute for Genomic Medicine (IGM) Clinical Laboratory, Nationwide Children's Hospital
Classification: Tier II - Potential for Neuroblastoma. Assertion type: diagnostic. Clinical significance: supports diagnosis. Last evaluated: 2024-10-11. Review status: criteria provided, single submitter. Criteria: AMP/ASCO/CAP Guidelines, 2017. Collection method: clinical testing. Allele origin: somatic. Affected: yes. Not counted in ClinVar's aggregate classification.
Comment: Variant has Tier II (potential) clinical significance as a diagnostic inclusion criterion in neuroblastoma, based on the following evidence: 1) Documented in one or more cancer databases (e.g., St. Jude Pecan, COSMIC, CIViC, OncoKB). 2) Assists in diagnosis alone or along with other biomarkers based on small studies or few case reports (Evidence Level D; PMID: 33056981).

Institute for Genomic Medicine (IGM) Clinical Laboratory, Nationwide Children's Hospital
Classification: Tier I - Strong for Ependymoma. Assertion type: diagnostic. Clinical significance: supports diagnosis. Last evaluated: 2023-02-07. Review status: criteria provided, single submitter. Criteria: AMP/ASCO/CAP Guidelines, 2017. Collection method: clinical testing. Allele origin: somatic. Affected: yes.
Comment: Variant has Tier I (strong) clinical significance as a diagnostic inclusion criterion in ependymoma, based on the following evidence: 1) Documented in one or more cancer databases (e.g., St. Jude Pecan, COSMIC, CIViC, OncoKB). 2) Appears in one or more well-established professional guidelines (e.g., World Health Organization [WHO]; National Comprehensive Cancer Network [NCCN]) as providing diagnostic, prognostic, or therapeutic information. 3) Information in the literature supports potential biologic effect of variant (PMIDs: 23539183, 24183680). 4) Diagnostic for a specific tumor type/classification based on well-powered studies with expert-level consensus (Evidence Level B).

Literature cited by the submitters: PubMed 23539183; PubMed 24183680; PubMed 28966033; PubMed 35740334; PubMed 33056981.

NM_003531.3(H3C3):c.83A>T (p.Lys28Met)

Genes: H3C3 (H3 clustered histone 3; plus strand), LOC129996012 (ATAC-STARR-seq lymphoblastoid active region 24185; plus strand). Cytogenetic location: 6p22.2.
Variant type: single nucleotide variant.
Coding change: c.83A>T on transcript NM_003531.3 (MANE Select); coding-DNA position 83, A replaced by T.
Protein change: p.Lys28Met; replaces lysine 28 with methionine.
Molecular consequence: missense variant.
Genome position (GRCh38, 1-based): chr6:26,045,493, A>T. VCF-style: chr6-26045493-A-T. GRCh37 (hg19) VCF-style: chr6-26045721-A-T.
Other names: short protein forms K28M.
Identifiers: ClinVar variation 4530461 (VCV004530461.1).